The following is an entry in ClinVar:

ClinVar aggregate classification (germline): Uncertain significance. Review status: criteria provided, multiple submitters, no conflicts (2 of 4 stars). 3 submissions from 3 submitters: Uncertain significance (3). Last evaluated 2025-08-12.

Conditions:
Cardiovascular phenotype. Identifiers: MedGen CN230736.
RASopathy. Also called: Noonan spectrum disorder; rasopathies. Identifiers: Orphanet 536391, MedGen C5555857, MONDO:0021060.

gnomAD v4.1: 11 of 1,613,198 alleles (0.00068%); highest among the groups gnomAD compares: Middle Eastern, 0.033%; no homozygotes.

Submissions (3):

Ambry Genetics
Classification: Uncertain significance for Cardiovascular phenotype. Last evaluated: 2025-08-12. Review status: criteria provided, single submitter. Criteria: Ambry Variant Classification Scheme 2023. Collection method: clinical testing. Allele origin: germline.
Comment: The p.E590Q variant (also known as c.1768G>C), located in coding exon 10 of the SOS1 gene, results from a G to C substitution at nucleotide position 1768. The glutamic acid at codon 590 is replaced by glutamine, an amino acid with highly similar properties. This amino acid position is well conserved in available vertebrate species. In addition, this alteration is predicted to be tolerated by in silico analysis. Based on the available evidence, the clinical significance of this variant remains unclear.

Labcorp Genetics (formerly Invitae), Labcorp
Classification: Uncertain significance for RASopathy. Last evaluated: 2022-10-10. Review status: criteria provided, single submitter. Criteria: Invitae Variant Classification Sherloc (09022015). Collection method: clinical testing. Allele origin: germline.
Comment: In summary, the available evidence is currently insufficient to determine the role of this variant in disease. Therefore, it has been classified as a Variant of Uncertain Significance. Advanced modeling of protein sequence and biophysical properties (such as structural, functional, and spatial information, amino acid conservation, physicochemical variation, residue mobility, and thermodynamic stability) has been performed at Invitae for this missense variant, however the output from this modeling did not meet the statistical confidence thresholds required to predict the impact of this variant on SOS1 protein function. This variant has not been reported in the literature in individuals affected with SOS1-related conditions. This variant is present in population databases (rs730881047, gnomAD 0.003%). This sequence change replaces glutamic acid, which is acidic and polar, with glutamine, which is neutral and polar, at codon 590 of the SOS1 protein (p.Glu590Gln).

Blueprint Genetics
Classification: Uncertain significance. Last evaluated: 2018-06-18. Review status: criteria provided, single submitter. Criteria: ACMG Guidelines, 2015. Collection method: clinical testing. Allele origin: germline.

NM_005633.4(SOS1):c.1768G>C (p.Glu590Gln)

Gene: SOS1 (SOS Ras/Rac guanine nucleotide exchange factor 1; minus strand). Cytogenetic location: 2p22.1.
Variant type: single nucleotide variant.
Coding change: c.1768G>C on transcript NM_005633.4 (MANE Select); coding-DNA position 1768, G replaced by C.
Protein change: p.Glu590Gln; replaces glutamic acid 590 with glutamine.
Molecular consequence: missense variant.
Genome position (GRCh38, 1-based): chr2:39,022,660, C>G on the plus strand (G>C on the coding strand, the complement: SOS1 is on the minus strand). VCF-style: chr2-39022660-C-G. GRCh37 (hg19) VCF-style: chr2-39249801-C-G.
Other names: c.1747G>C, p.Glu583Gln (NM_001382394.1); c.1768G>C, p.Glu590Gln (NM_001382395.1); short protein forms E590Q, E583Q.
Identifiers: ClinVar variation 1779723 (VCV001779723.9), dbSNP rs730881047, ClinGen allele CA297275.